The following is an entry in ClinVar:

ClinVar aggregate classification (germline): Pathogenic/Likely pathogenic. Review status: criteria provided, multiple submitters, no conflicts (2 of 4 stars). 2 submissions from 2 submitters: Pathogenic (1); Likely pathogenic (1). Last evaluated 2023-05-19.

Conditions:
COL3A1-related disorder. Also called: COL3A1-related condition.
Ehlers-Danlos syndrome, type 4 (EDSVASC). Also called: Ehlers-Danlos syndrome vascular type; Ehlers Danlos syndrome, ecchymotic type; Ehlers Danlos syndrome, arterial type; Ehlers Danlos syndrome, Sack-Barabas type; Ehlers-Danlos Syndrome Type IV. Identifiers: Orphanet 286, MedGen C0268338, MONDO:0017314, OMIM 130050.

Allele frequency attached by ClinVar (database versions not stated): gnomAD exomes below 0.00001.

Submissions (2):

Blueprint Genetics
Classification: Likely pathogenic for COL3A1-related disorders. Last evaluated: 2023-05-19. Review status: criteria provided, single submitter. Criteria: ACMG Guidelines, 2015. Collection method: clinical testing. Allele origin: germline. Affected: yes. Observed: 1 variant allele.

Labcorp Genetics (formerly Invitae), Labcorp
Classification: Pathogenic for Ehlers-Danlos syndrome, type 4. Last evaluated: 2022-08-22. Review status: criteria provided, single submitter. Criteria: Invitae Variant Classification Sherloc (09022015). Collection method: clinical testing. Allele origin: germline.
Comment: For these reasons, this variant has been classified as Pathogenic. This variant has not been reported in the literature in individuals affected with COL3A1-related conditions. This variant is not present in population databases (gnomAD no frequency). This sequence change creates a premature translational stop signal (p.Gly636Valfs*155) in the COL3A1 gene. It is expected to result in an absent or disrupted protein product. Loss-of-function variants in COL3A1 are known to be pathogenic (PMID: 24922459).

Literature cited by the submitters: PubMed 24922459 (cited by Labcorp Genetics (formerly Invitae), Labcorp).

NM_000090.4(COL3A1):c.1905del (p.Gly636fs)

Gene: COL3A1 (collagen type III alpha 1 chain; plus strand). Cytogenetic location: 2q32.2.
Variant type: Deletion.
Coding change: c.1905del on transcript NM_000090.4 (MANE Select); coding-DNA position 1905, one base deleted (T; older notation c.1905delT).
Protein change: p.Gly636fs; shifts the reading frame from glycine 636.
Molecular consequence: frameshift variant.
Genome position (GRCh38, 1-based): chr2:188,997,735, T deleted. VCF-style (leftmost placement, unchanged base first): chr2-188997734-CT-C. GRCh37 (hg19) VCF-style: chr2-189862460-CT-C.
Other names: short protein forms G636fs.
Identifiers: ClinVar variation 2005998 (VCV002005998.5), dbSNP rs2469139432, ClinGen allele CA2580065287.